The following is an entry in ClinVar:

ClinVar aggregate classification (germline): Uncertain significance (1 of 4 stars; one submission).

gnomAD v4.1: 2 of 1,502,264 alleles (0.00013%); highest among the groups gnomAD compares: Non-Finnish European, 0.00019%; no homozygotes.

Submission:

Labcorp Genetics (formerly Invitae), Labcorp
Classification: Uncertain significance. Last evaluated: 2024-12-23. Review status: criteria provided, single submitter. Criteria: Invitae Variant Classification Sherloc (09022015). Collection method: clinical testing. Allele origin: germline.
Comment: This sequence change disrupts the translational stop signal of the SPPL2A mRNA. It is expected to extend the length of the SPPL2A protein by 7 additional amino acid residues. This variant is present in population databases (rs372672604, gnomAD 0.0009%). This variant has not been reported in the literature in individuals affected with SPPL2A-related conditions. In summary, the available evidence is currently insufficient to determine the role of this variant in disease. Therefore, it has been classified as a Variant of Uncertain Significance.

NM_032802.4(SPPL2A):c.1563A>C (p.Ter521Tyr)

Gene: SPPL2A (signal peptide peptidase like 2A; minus strand). Cytogenetic location: 15q21.2.
Variant type: single nucleotide variant.
Coding change: c.1563A>C on transcript NM_032802.4 (MANE Select); coding-DNA position 1563, A replaced by C.
Protein change: p.Ter521Tyr.
Molecular consequence: stop lost.
Genome position (GRCh38, 1-based): chr15:50,707,800, T>G on the plus strand (A>C on the coding strand, the complement: SPPL2A is on the minus strand). VCF-style: chr15-50707800-T-G. GRCh37 (hg19) VCF-style: chr15-50999997-T-G.
Identifiers: ClinVar variation 3712817 (VCV003712817.2).